The following is an entry in ClinVar:

NM_000264.5(PTCH1):c.929A>G (p.Asn310Ser)

Gene: PTCH1 (patched 1; minus strand). Cytogenetic location: 9q22.32.
Variant type: single nucleotide variant.
Coding change: c.929A>G on transcript NM_000264.5 (MANE Select); coding-DNA position 929, A replaced by G.
Protein change: p.Asn310Ser; replaces asparagine 310 with serine.
Molecular consequence: missense variant. On other transcripts: non-coding transcript variant (1).
Genome position (GRCh38, 1-based): chr9:95,480,406, T>C on the plus strand (A>G on the coding strand, the complement: PTCH1 is on the minus strand). VCF-style: chr9-95480406-T-C. GRCh37 (hg19) VCF-style: chr9-98242688-T-C.
Other names: c.731A>G, p.Asn244Ser (NM_001083602.3); c.926A>G, p.Asn309Ser (NM_001083603.3); c.476A>G, p.Asn159Ser (NM_001083604.3, NM_001083605.3, NM_001083606.3 and 1 more transcripts); c.929A>G, p.Asn310Ser (NM_001354918.2); c.929A>G (NM_000264.3); short protein forms N159S, N310S, N244S, N309S.
Identifiers: ClinVar variation 1364873 (VCV001364873.7), dbSNP rs2118412532, ClinGen allele CA374113656.

ClinVar aggregate classification (germline): Uncertain significance. Review status: criteria provided, multiple submitters, no conflicts (2 of 4 stars). 2 submissions from 2 submitters: Uncertain significance (2). Last evaluated 2024-11-24.

Conditions:
Hereditary cancer-predisposing syndrome. Also called: Hereditary neoplastic syndrome; Hereditary Cancer Syndrome; Neoplastic Syndromes, Hereditary; Tumor predisposition. Identifiers: Orphanet 140162, MedGen C0027672, MeSH D009386, MONDO:0015356.
Gorlin syndrome. Also called: Basal cell nevus syndrome; Nevoid Basal Cell Carcinoma Syndrome. Identifiers: Orphanet 377, MedGen C0004779, MONDO:0007187.

Submissions (2):

Ambry Genetics
Classification: Uncertain significance for Hereditary cancer-predisposing syndrome. Last evaluated: 2024-11-24. Review status: criteria provided, single submitter. Criteria: Ambry Variant Classification Scheme 2023. Collection method: clinical testing. Allele origin: germline.
Comment: The p.N310S variant (also known as c.929A>G), located in coding exon 6 of the PTCH1 gene, results from an A to G substitution at nucleotide position 929. The asparagine at codon 310 is replaced by serine, an amino acid with highly similar properties. This amino acid position is conserved. In addition, the in silico prediction for this alteration is inconclusive. Based on the available evidence, the clinical significance of this variant remains unclear.

Labcorp Genetics (formerly Invitae), Labcorp
Classification: Uncertain significance for Gorlin syndrome. Last evaluated: 2022-04-29. Review status: criteria provided, single submitter. Criteria: Invitae Variant Classification Sherloc (09022015). Collection method: clinical testing. Allele origin: germline.
Comment: In summary, the available evidence is currently insufficient to determine the role of this variant in disease. Therefore, it has been classified as a Variant of Uncertain Significance. Algorithms developed to predict the effect of missense changes on protein structure and function are either unavailable or do not agree on the potential impact of this missense change (SIFT: "Tolerated"; PolyPhen-2: "Probably Damaging"; Align-GVGD: "Class C0"). This variant has not been reported in the literature in individuals affected with PTCH1-related conditions. This variant is not present in population databases (gnomAD no frequency). This sequence change replaces asparagine, which is neutral and polar, with serine, which is neutral and polar, at codon 310 of the PTCH1 protein (p.Asn310Ser).